The following is an entry in ClinVar:

NM_152490.5(B3GALNT2):c.1487G>A (p.Arg496Gln)

Genes: B3GALNT2 (beta-1,3-N-acetylgalactosaminyltransferase 2; minus strand), TBCE (tubulin folding cofactor E; plus strand). Cytogenetic location: 1q42.3.
Variant type: single nucleotide variant.
Coding change: c.1487G>A on transcript NM_152490.5 (MANE Select); coding-DNA position 1487, G replaced by A.
Protein change: p.Arg496Gln; replaces arginine 496 with glutamine.
Molecular consequence: missense variant. On other transcripts: 3 prime UTR variant (4).
Genome position (GRCh38, 1-based): chr1:235,450,222, C>T on the plus strand (G>A on the coding strand, the complement: B3GALNT2 is on the minus strand). VCF-style: chr1-235450222-C-T. GRCh37 (hg19) VCF-style: chr1-235613537-C-T.
Other names: c.*1460C>T (NM_001079515.3, NM_001287801.2, NM_001287802.2 and 1 more transcripts); c.1487G>A (NM_152490.2); short protein forms R496Q.
Identifiers: ClinVar variation 473881 (VCV000473881.5), dbSNP rs111541487, ClinGen allele CA1464568.

ClinVar aggregate classification (germline): Conflicting classifications of pathogenicity. Review status: criteria provided, conflicting classifications (1 of 4 stars). 3 submissions from 3 submitters: Uncertain significance (2); Likely benign (1). Last evaluated 2025-11-11.

Conditions:
Inborn genetic diseases. Identifiers: MedGen C0950123, MeSH D030342.
Muscular dystrophy-dystroglycanopathy (congenital with brain and eye anomalies), type a, 11 (MDDGA11). Also called: Muscular dystrophy-dystroglycanopathy (congenital with brain and eye anomalies, type A, 11; WALKER-WARBURG SYNDROME OR MUSCLE-EYE-BRAIN DISEASE, B3GALNT2-RELATED; Congenital muscular dystrophy-dystroglycanopathy with brain and eye anomalies, type A11. Identifiers: Orphanet 588, Orphanet 899, MedGen C3554638, MONDO:0014071, OMIM 615181.

Allele frequency attached by ClinVar (database versions not stated): TOPMed 0.00006.
gnomAD v4.1: 74 of 1,614,102 alleles (0.0046%); highest among the groups gnomAD compares: African/African-American, 0.063%; 3 homozygotes.

Submissions (3):

Ambry Genetics
Classification: Likely benign for Inborn genetic diseases. Last evaluated: 2025-11-11. Review status: criteria provided, single submitter. Criteria: Ambry Variant Classification Scheme 2023. Collection method: clinical testing. Allele origin: germline.

Labcorp Genetics (formerly Invitae), Labcorp
Classification: Uncertain significance for Muscular dystrophy-dystroglycanopathy (congenital with brain and eye anomalies), type a, 11. Last evaluated: 2023-12-06. Review status: criteria provided, single submitter. Criteria: Invitae Variant Classification Sherloc (09022015). Collection method: clinical testing. Allele origin: germline.
Comment: This sequence change replaces arginine, which is basic and polar, with glutamine, which is neutral and polar, at codon 496 of the B3GALNT2 protein (p.Arg496Gln). This variant is present in population databases (rs111541487, gnomAD 0.008%). This variant has not been reported in the literature in individuals affected with B3GALNT2-related conditions. ClinVar contains an entry for this variant (Variation ID: 473881). Advanced modeling of protein sequence and biophysical properties (such as structural, functional, and spatial information, amino acid conservation, physicochemical variation, residue mobility, and thermodynamic stability) performed at Invitae indicates that this missense variant is not expected to disrupt B3GALNT2 protein function with a negative predictive value of 80%. In summary, the available evidence is currently insufficient to determine the role of this variant in disease. Therefore, it has been classified as a Variant of Uncertain Significance.

Revvity Omics, Revvity
Classification: Uncertain significance for Muscular dystrophy-dystroglycanopathy (congenital with brain and eye anomalies), type a, 11. Last evaluated: 2023-11-09. Review status: criteria provided, single submitter. Criteria: ACMG Guidelines, 2015. Collection method: clinical testing. Allele origin: germline.